The following is an entry in ClinVar:

ClinVar aggregate classification (germline): Pathogenic (1 of 4 stars; one submission).

Submission:

Labcorp Genetics (formerly Invitae), Labcorp
Classification: Pathogenic. Last evaluated: 2021-01-06. Review status: criteria provided, single submitter. Criteria: Invitae Variant Classification Sherloc (09022015). Collection method: clinical testing. Allele origin: germline.
Comment: For these reasons, this variant has been classified as Pathogenic. This variant has not been reported in the literature in individuals with MSH3-related conditions. This variant is not present in population databases (ExAC no frequency). This sequence change creates a premature translational stop signal (p.Ile500Metfs*9) in the MSH3 gene. It is expected to result in an absent or disrupted protein product. Loss-of-function variants in MSH3 are known to be pathogenic (PMID: 27476653).

Literature cited by the submitters: PubMed 27476653.

NM_002439.5(MSH3):c.1499_1500insGG (p.Ile500fs)

Gene: MSH3 (mutS homolog 3; plus strand). Cytogenetic location: 5q14.1.
Variant type: Insertion.
Coding change: c.1499_1500insGG on transcript NM_002439.5 (MANE Select); coding-DNA positions 1499 to 1500, GG inserted.
Protein change: p.Ile500fs; shifts the reading frame from isoleucine 500.
Molecular consequence: frameshift variant.
Genome position: GRCh38 VCF-style: chr5-80728896-T-TGG. GRCh37 (hg19) VCF-style: chr5-80024715-T-TGG.
Other names: short protein forms I500fs.
Identifiers: ClinVar variation 1356132 (VCV001356132.6), dbSNP rs2112857873, ClinGen allele CA2573139884.